The following is an entry in ClinVar:

ClinVar aggregate classification (germline): Uncertain significance (1 of 4 stars; one submission).

Conditions:
Mosaic variegated aneuploidy syndrome 2 (MVA2). Identifiers: Orphanet 1052, MedGen C3279843, MONDO:0013582, OMIM 614114.

Allele frequency attached by ClinVar (database versions not stated): gnomAD exomes below 0.00001 and 0.00001; gnomAD 0.00001.
gnomAD v4.1: 16 of 1,613,436 alleles (0.00099%); highest among the groups gnomAD compares: Non-Finnish European, 0.0013%; no homozygotes.

Submission:

Labcorp Genetics (formerly Invitae), Labcorp
Classification: Uncertain significance for Mosaic variegated aneuploidy syndrome 2. Last evaluated: 2018-12-18. Review status: criteria provided, single submitter. Criteria: Invitae Variant Classification Sherloc (09022015). Collection method: clinical testing. Allele origin: germline.
Comment: This sequence change falls in intron 10 of the CEP57 gene. It does not directly change the encoded amino acid sequence of the CEP57 protein, but it affects a nucleotide within the consensus splice site of the intron. This variant is not present in population databases (ExAC no frequency). This variant has not been reported in the literature in individuals with CEP57-related conditions. Nucleotide substitutions within the consensus splice site are a relatively common cause of aberrant splicing (PMID: 17576681, 9536098). Algorithms developed to predict the effect of sequence changes on RNA splicing suggest that this variant is not likely to affect RNA splicing, but this prediction has not been confirmed by published transcriptional studies. In summary, the available evidence is currently insufficient to determine the role of this variant in disease. Therefore, it has been classified as a Variant of Uncertain Significance.

Literature cited by the submitters: PubMed 17576681; PubMed 9536098.

NM_014679.5(CEP57):c.1272+4A>C

Gene: CEP57 (centrosomal protein 57; plus strand). Cytogenetic location: 11q21.
Variant type: single nucleotide variant.
Coding change: c.1272+4A>C on transcript NM_014679.5 (MANE Select); 4 bases into the intron after coding-DNA position 1272, A replaced by C.
Molecular consequence: intron variant.
Genome position (GRCh38, 1-based): chr11:95,829,335, A>C. VCF-style: chr11-95829335-A-C. GRCh37 (hg19) VCF-style: chr11-95562499-A-C.
Other names: c.1191+4A>C (NM_001363604.2); c.1245+4A>C (NM_001243776.2); c.1194+4A>C (NM_001243777.2).
Identifiers: ClinVar variation 656154 (VCV000656154.6), dbSNP rs1465357317, ClinGen allele CA600869449.
Genomic context (GRCh38, chr11:95,829,335, plus strand): 5'-GGAAGGATGGAAGCAAAAGCCAACCAAATAACTAAAGTTCGAAAATACCAAGCCCAGGTA[A>C]CTCAGTTTTCCTTCACTCAAGTTTCTAATGATTAAGAAAAAAAAAACACTTTAATTCAAA-3'